The following is an entry in ClinVar:

NM_014625.4(NPHS2):c.873+1G>A

Genes: AXDND1 (axonemal dynein light chain domain containing 1; plus strand), NPHS2 (NPHS2 stomatin family member, podocin; minus strand). Cytogenetic location: 1q25.2.
Variant type: single nucleotide variant.
Coding change: c.873+1G>A on transcript NM_014625.4 (MANE Select); the canonical splice donor site of the intron after coding-DNA position 873, G replaced by A.
Molecular consequence: splice donor variant. On other transcripts: intron variant (1).
Genome position (GRCh38, 1-based): chr1:179,552,602, C>T on the plus strand (G>A on the coding strand, the complement: NPHS2 is on the minus strand). VCF-style: chr1-179552602-C-T. GRCh37 (hg19) VCF-style: chr1-179521737-C-T.
Other names: c.873+1G>A (NM_014625.3); c.3032-1910C>T (NM_144696.6); c.669+1G>A (NM_001297575.2).
Identifiers: ClinVar variation 555445 (VCV000555445.4), dbSNP rs1553312833, ClinGen allele CA343566011.

ClinVar aggregate classification (germline): Pathogenic. Review status: criteria provided, multiple submitters, no conflicts (2 of 4 stars). 3 submissions from 3 submitters: Pathogenic (2). 1 of the submissions does not count toward it. Last evaluated 2025-05-17.

Conditions:
Nephrotic syndrome, type 2 (NPHS2). Also called: NEPHROTIC SYNDROME, STEROID-RESISTANT, AUTOSOMAL RECESSIVE. Identifiers: Orphanet 656, MedGen C1868672, MONDO:0010974, OMIM 600995.
Steroid-resistant nephrotic syndrome. Identifiers: MedGen C0403397, MONDO:0044765, HP:0012588.

Submissions (3):

Myriad Genetics, Inc.
Classification: Pathogenic for Nephrotic syndrome, type 2. Last evaluated: 2025-05-17. Review status: criteria provided, single submitter. Criteria: Myriad Autosomal Dominant, Autosomal Recessive and X-Linked Classification Criteria (2023). Collection method: clinical testing. Allele origin: unknown.
Comment: NM_014625.2(NPHS2):c.873+1G>A is a variant in a canonical splice site classified as pathogenic in the context of nephrotic syndrome, NPHS2-related. c.873+1G>A has been observed in a case with relevant disease (PMID: 23645318). Relevant functional assessments of this variant are not available in the literature. Internal structural analysis of the variant is supportive of pathogenicity. c.873+1G>A has not been observed in referenced population frequency databases. In summary, NM_014625.2(NPHS2):c.873+1G>A is a variant in a canonical splice site that has internal structural support for pathogenicity and has been observed more frequently in cases with the relevant disease than in healthy populations. Please note: this variant was assessed in the context of healthy population screening.

Natera, Inc.
Classification: Pathogenic for Steroid-resistant nephrotic syndrome. Last evaluated: 2024-05-21. Review status: criteria provided, single submitter. Criteria: Natera Variant Classification Schema (03/2026). Collection method: clinical testing. Allele origin: germline.
Comment: The c.873+1G>A variant in NPHS2 is a canonical splice donor site variant predicted to affect pre-mRNA splicing, which may result in an abnormal transcript and altered protein product. This variant is expected to result in nonsense mediated decay, truncation, or a dysfunctional protein product. This variant is rare in the general population with a frequency below the threshold expected for the associated phenotype(s). This variant has been observed in one or more individuals affected with the associated recessive disease, as either homozygous or compound heterozygous with a second variant (PMID: 23645318, 30458709). Another variant at this same site results in an alteration predicted to cause a similar molecular effect has been observed in individual(s) with the associated phenotype. Given the available evidence, this variant is classified as Pathogenic.

Counsyl
Classification: Likely pathogenic for Nephrotic syndrome, type 2. Last evaluated: 2017-12-05. Review status: no assertion criteria provided. Collection method: clinical testing. Allele origin: unknown. Not counted in ClinVar's aggregate classification.

Literature cited by the submitters: PubMed 23645318 (cited by 3 submitters); PubMed 30458709 (cited by Natera, Inc.); PubMed 24227627 (cited by Counsyl).